The following is an entry in ClinVar:

ClinVar aggregate classification (germline): Pathogenic/Likely pathogenic. Review status: criteria provided, multiple submitters, no conflicts (2 of 4 stars). 2 submissions from 2 submitters: Pathogenic (1); Likely pathogenic (1). Last evaluated 2024-11-05.

Conditions:
Bruck syndrome 1 (BRKS1). Also called: ARTHROGRYPOSIS-LIKE DISORDER. Identifiers: Orphanet 1149, Orphanet 2771, MedGen C1850168, MONDO:0009806, OMIM 259450.

Submissions (2):

Genetics Department, Catlab
Classification: Likely pathogenic for Bruck syndrome 1. Last evaluated: 2024-11-05. Review status: criteria provided, single submitter. Criteria: ACMG Guidelines, 2015. Collection method: clinical testing. Allele origin: germline. Affected: yes. Observed: 1 variant allele.
Comment: The c.1563+1G>A splicing variant in the FKBP10 gene is a loss of function variant and loss of function variants have been described as a causing mechanism for the gene (PVS1). The variant is absent from gnomAD 4.0 (PM2) and has not been previously found in patients to our knowledge. With all the available evidence, the variant is classified as likely pathogenic.

Labcorp Genetics (formerly Invitae), Labcorp
Classification: Pathogenic. Last evaluated: 2024-01-25. Review status: criteria provided, single submitter. Criteria: Invitae Variant Classification Sherloc (09022015). Collection method: clinical testing. Allele origin: germline.
Comment: This sequence change affects a donor splice site in intron 9 of the FKBP10 gene. While this variant is not anticipated to result in nonsense mediated decay, it likely alters RNA splicing and results in a disrupted protein product. This variant is not present in population databases (gnomAD no frequency). This variant has not been reported in the literature in individuals affected with FKBP10-related conditions. Variants that disrupt the consensus splice site are a relatively common cause of aberrant splicing (PMID: 17576681, 9536098). Algorithms developed to predict the effect of sequence changes on RNA splicing suggest that this variant may disrupt the consensus splice site. This variant disrupts a region of the FKBP10 protein in which other variant(s) (p.Gln558*) have been determined to be pathogenic (PMID: 29499418). This suggests that this is a clinically significant region of the protein, and that variants that disrupt it are likely to be disease-causing. For these reasons, this variant has been classified as Pathogenic.

Literature cited by the submitters: PubMed 17576681 (cited by Labcorp Genetics (formerly Invitae), Labcorp); PubMed 9536098 (cited by Labcorp Genetics (formerly Invitae), Labcorp); PubMed 29499418 (cited by Labcorp Genetics (formerly Invitae), Labcorp).

NM_021939.4(FKBP10):c.1563+1G>A

Gene: FKBP10 (FKBP prolyl isomerase 10; plus strand). Cytogenetic location: 17q21.2.
Variant type: single nucleotide variant.
Coding change: c.1563+1G>A on transcript NM_021939.4 (MANE Select); the canonical splice donor site of the intron after coding-DNA position 1563, G replaced by A.
Molecular consequence: splice donor variant.
Genome position (GRCh38, 1-based): chr17:41,821,818, G>A. VCF-style: chr17-41821818-G-A. GRCh37 (hg19) VCF-style: chr17-39978070-G-A.
Identifiers: ClinVar variation 2880784 (VCV002880784.4), dbSNP rs2144069621, ClinGen allele CA399518986.